The following is an entry in ClinVar:

NM_001370259.2(MEN1):c.1098A>T (p.Glu366Asp)

Gene: MEN1 (menin 1; minus strand). Cytogenetic location: 11q13.1.
Variant type: single nucleotide variant.
Coding change: c.1098A>T on transcript NM_001370259.2 (MANE Select); coding-DNA position 1098, A replaced by T.
Protein change: p.Glu366Asp; replaces glutamic acid 366 with aspartic acid.
Molecular consequence: missense variant.
Genome position (GRCh38, 1-based): chr11:64,805,722, T>A on the plus strand (A>T on the coding strand, the complement: MEN1 is on the minus strand). VCF-style: chr11-64805722-T-A. GRCh37 (hg19) VCF-style: chr11-64573194-T-A.
Other names: c.1113A>T, p.Glu371Asp (NM_000244.4, NM_130800.3, NM_130801.3 and 3 more transcripts); c.1224A>T, p.Glu408Asp (NM_001370251.2); c.1098A>T, p.Glu366Asp (NM_001370260.2, NM_001370261.2, NM_130799.3); c.993A>T, p.Glu331Asp (NM_001370262.2, NM_001370263.2); short protein forms E366D, E371D, E408D, E331D.
Identifiers: ClinVar variation 183065 (VCV000183065.32), dbSNP rs149383809, ClinGen allele CA009023.

ClinVar aggregate classification (germline): Conflicting classifications of pathogenicity. Review status: criteria provided, conflicting classifications (1 of 4 stars). 9 submissions from 9 submitters: Uncertain significance (4); Benign (1); Likely benign (3). 1 of the submissions does not count toward it. Last evaluated 2026-01-17.

Conditions:
Hereditary cancer-predisposing syndrome. Also called: Tumor predisposition; Hereditary Cancer Syndrome; Hereditary neoplastic syndrome; Neoplastic Syndromes, Hereditary. Identifiers: Orphanet 140162, MedGen C0027672, MeSH D009386, MONDO:0015356.
Multiple endocrine neoplasia, type 1 (MEN1). Also called: MEN I; WERMER SYNDROME; Endocrine adenomatosis multiple; MEN 1; MEA I. Identifiers: Orphanet 652, MedGen C0025267, MeSH D018761, MONDO:0007540, OMIM 131100.

Allele frequency attached by ClinVar (database versions not stated): gnomAD 0.00004 and 0.00005; gnomAD exomes 0.00007 and 0.00015; ExAC 0.00008; TOPMed 0.00008; 1000 Genomes Project 0.00040; 1000 Genomes Project 30x 0.00047.

Submissions (9):

Labcorp Genetics (formerly Invitae), Labcorp
Classification: Likely benign for Multiple endocrine neoplasia, type 1. Last evaluated: 2026-01-17. Review status: criteria provided, single submitter. Criteria: Invitae Variant Classification Sherloc (09022015). Collection method: clinical testing. Allele origin: germline.

Center for Genomic Medicine, Rigshospitalet, Copenhagen University Hospital
Classification: Uncertain significance. Last evaluated: 2025-03-04. Review status: criteria provided, single submitter. Criteria: ACMG Guidelines, 2015. Collection method: clinical testing. Allele origin: germline.

Molecular Pathology, Peter Maccallum Cancer Centre
Classification: Uncertain significance for Multiple endocrine neoplasia, type 1. Last evaluated: 2024-10-22. Review status: criteria provided, single submitter. Criteria: ACMG Guidelines, 2015. Collection method: clinical testing. Allele origin: germline. Inheritance: Autosomal dominant inheritance.

Myriad Genetics, Inc.
Classification: Likely benign for Multiple endocrine neoplasia, type 1. Last evaluated: 2023-04-17. Review status: criteria provided, single submitter. Criteria: Myriad Autosomal Dominant, Autosomal Recessive and X-Linked Classification Criteria (2023). Collection method: clinical testing. Allele origin: unknown.
Comment: This variant is considered likely benign. This variant has been observed at a population frequency that is significantly greater than expected given the associated disease prevalence and penetrance.

Color Diagnostics, LLC DBA Color Health
Classification: Likely benign for Multiple endocrine neoplasia, type 1. Last evaluated: 2023-02-15. Review status: criteria provided, single submitter. Criteria: ACMG Guidelines, 2015. Collection method: clinical testing. Allele origin: germline.

Ambry Genetics
Classification: Benign for Hereditary cancer-predisposing syndrome. Last evaluated: 2022-10-26. Review status: criteria provided, single submitter. Criteria: Ambry Variant Classification Scheme 2023. Collection method: clinical testing. Allele origin: germline.

Baylor Genetics
Classification: Uncertain significance for Multiple endocrine neoplasia, type 1. Last evaluated: 2018-11-07. Review status: criteria provided, single submitter. Criteria: ACMG Guidelines, 2015. Collection method: clinical testing. Allele origin: maternal. Affected: yes. Study: CSER-TexasKidsCanSeq.
Comment: This variant was determined to be of uncertain significance according to ACMG Guidelines, 2015 [PMID:25741868].

Quest Diagnostics Nichols Institute San Juan Capistrano
Classification: Uncertain significance. Last evaluated: 2015-12-01. Review status: criteria provided, single submitter. Criteria: Quest Diagnostics criteria. Collection method: clinical testing. Allele origin: unknown.
Comment: In the published literature, this variant has been reported in families with multiple endocrine neoplasia (PMID: 16563611 (2006)). However, a functional studies observed that this variant resulted in protein levels comparable or slightly lower than the wild type (PMID: 21819486 (2011) and 35941657 (2022)). It was found in breast cancer cases as well as control individuals in a large scale breast cancer association study (PMID: 33471991 (2021), see also LOVD).This variant was also identified in apparently healthy individuals (PMID: 22995991 (2013)). The frequency of this variant in the general population, 0.00014 (16/113764 chromosomes (Genome Aggregation Database)), is uninformative in the assessment of its pathogenicity. Analysis of this variant using bioinformatics tools for the prediction of the effect of amino acid changes on protein structure and function yielded conflicting predictions that this variant is deleterious or benign. Based on the available information, we are unable to determine the clinical significance of this variant.

Counsyl
Classification: Uncertain significance for Multiple endocrine neoplasia, type 1. Last evaluated: 2015-12-28. Review status: no assertion criteria provided. Collection method: clinical testing. Allele origin: unknown. Not counted in ClinVar's aggregate classification.

Literature cited by the submitters: PubMed 16563611 (cited by 4 submitters); PubMed 21819486 (cited by 4 submitters); PubMed 19068082 (cited by Ambry Genetics); PubMed 22995991 (cited by Ambry Genetics and Quest Diagnostics Nichols Institute San Juan Capistrano); PubMed 26332594 (cited by Ambry Genetics and Quest Diagnostics Nichols Institute San Juan Capistrano); PubMed 35941657 (cited by Ambry Genetics and Quest Diagnostics Nichols Institute San Juan Capistrano); PubMed 33471991 (cited by Quest Diagnostics Nichols Institute San Juan Capistrano).